The following is an entry in ClinVar:

ClinVar aggregate classification (germline): Uncertain significance (1 of 4 stars; one submission).

Conditions:
Charcot-Marie-Tooth disease type 2R. Also called: Charcot-Marie-Tooth disease, axonal, type 2R; CHARCOT-MARIE-TOOTH NEUROPATHY, TYPE 2R; CHARCOT-MARIE-TOOTH DISEASE, AXONAL, AUTOSOMAL RECESSIVE, TYPE 2R. Identifiers: Orphanet 397968, MedGen C3809655, MONDO:0014208, OMIM 615490.

Allele frequency attached by ClinVar (database versions not stated): gnomAD exomes 0.00001 and 0.00002; TOPMed 0.00001.

Submission:

Labcorp Genetics (formerly Invitae), Labcorp
Classification: Uncertain significance for Charcot-Marie-Tooth disease type 2R. Last evaluated: 2021-05-12. Review status: criteria provided, single submitter. Criteria: Invitae Variant Classification Sherloc (09022015). Collection method: clinical testing. Allele origin: germline.
Comment: This variant is not present in population databases (ExAC no frequency). This sequence change replaces glycine with arginine at codon 606 of the TRIM2 protein (p.Gly606Arg). The glycine residue is highly conserved and there is a moderate physicochemical difference between glycine and arginine. This variant has not been reported in the literature in individuals with TRIM2-related conditions. In summary, the available evidence is currently insufficient to determine the role of this variant in disease. Therefore, it has been classified as a Variant of Uncertain Significance. Algorithms developed to predict the effect of sequence changes on RNA splicing suggest that this variant may create or strengthen a splice site, but this prediction has not been confirmed by published transcriptional studies. Algorithms developed to predict the effect of missense changes on protein structure and function are either unavailable or do not agree on the potential impact of this missense change (SIFT: "Deleterious"; PolyPhen-2: "Probably Damaging"; Align-GVGD: "Class C15").

NM_015271.5(TRIM2):c.1897G>A (p.Gly633Arg)

Gene: TRIM2 (tripartite motif containing 2; plus strand). Cytogenetic location: 4q31.3.
Variant type: single nucleotide variant.
Coding change: c.1897G>A on transcript NM_015271.5 (MANE Select); coding-DNA position 1897, G replaced by A.
Protein change: p.Gly633Arg; replaces glycine 633 with arginine.
Molecular consequence: missense variant.
Genome position (GRCh38, 1-based): chr4:153,322,762, G>A. VCF-style: chr4-153322762-G-A. GRCh37 (hg19) VCF-style: chr4-154243914-G-A.
Other names: c.1816G>A, p.Gly606Arg (NM_001130067.2, NM_001351056.2, NM_001375512.1 and 5 more transcripts); c.1870G>A, p.Gly624Arg (NM_001351054.2); c.1867G>A, p.Gly623Arg (NM_001351055.2); c.1441G>A, p.Gly481Arg (NM_001351057.2); c.1990G>A, p.Gly664Arg (NM_001375488.1); c.1987G>A, p.Gly663Arg (NM_001375489.1); c.1840G>A, p.Gly614Arg (NM_001375490.1); c.1837G>A, p.Gly613Arg (NM_001375491.1); and 3 more; short protein forms G633R, G520R, G613R, G614R, G481R, G521R, G663R, G522R.
Identifiers: ClinVar variation 1367046 (VCV001367046.8), dbSNP rs1331932809, ClinGen allele CA358469518.